The following is an entry in ClinVar:

NM_000168.6(GLI3):c.131A>C (p.Glu44Ala)

Gene: GLI3 (GLI family zinc finger 3; minus strand). Cytogenetic location: 7p14.1.
Variant type: single nucleotide variant.
Coding change: c.131A>C on transcript NM_000168.6 (MANE Select); coding-DNA position 131, A replaced by C.
Protein change: p.Glu44Ala; replaces glutamic acid 44 with alanine.
Molecular consequence: missense variant.
Genome position (GRCh38, 1-based): chr7:42,148,462, T>G on the plus strand (A>C on the coding strand, the complement: GLI3 is on the minus strand). VCF-style: chr7-42148462-T-G. GRCh37 (hg19) VCF-style: chr7-42188061-T-G.
Other names: short protein forms E44A.
Identifiers: ClinVar variation 4885039 (VCV004885039.2).

ClinVar aggregate classification (germline): Uncertain significance (1 of 4 stars; one submission).

Submission:

Dasa
Classification: Uncertain significance. Last evaluated: 2024-10-24. Review status: criteria provided, single submitter. Criteria: DASA Assertion Criteria. Collection method: clinical testing. Allele origin: germline.
Comment: NM_000168.6(GLI3):c.131A>C (p.Glu44Ala) is a missense variant that results in the substitution of glutamic acid with alanine. This variant is absent from population databases. Computational prediction algorithms are consistent with a benign effect. The currently available literature and clinical evidence are not sufficient to establish a definitive association between this variant and the reported condition. Therefore, this variant is classified as a variant of uncertain significance.